The following is an entry in ClinVar:

ClinVar aggregate classification (germline): Uncertain significance (1 of 4 stars; one submission).

Conditions:
DNMT3A-related disorder. Also called: DNMT3A-related disorders; DNMT3A-related condition.

gnomAD v4.1: 24 of 1,609,570 alleles (0.0015%); highest among the groups gnomAD compares: Non-Finnish European, 0.0019%; no homozygotes.

Submission:

PreventionGenetics, part of Exact Sciences
Classification: Uncertain significance for DNMT3A-related condition. Last evaluated: 2026-03-30. Review status: criteria provided, single submitter. Criteria: ACMG Guidelines, 2015. Collection method: clinical testing. Allele origin: germline.
Comment: The DNMT3A c.467G>A variant is predicted to result in the amino acid substitution p.Gly156Glu. To our knowledge, this variant has not been reported in the literature. This variant is reported in 0.0043% of alleles in individuals of African descent in gnomAD. At this time, the clinical significance of this variant is uncertain due to the absence of conclusive functional and genetic evidence.

NM_022552.5(DNMT3A):c.448+19G>A

Gene: DNMT3A (DNA methyltransferase 3 alpha; minus strand). Cytogenetic location: 2p23.3.
Variant type: single nucleotide variant.
Coding change: c.448+19G>A on transcript NM_022552.5 (MANE Select); 19 bases into the intron after coding-DNA position 448, G replaced by A.
Molecular consequence: intron variant. On other transcripts: missense variant (2).
Genome position (GRCh38, 1-based): chr2:25,282,422, C>T on the plus strand (G>A on the coding strand, the complement: DNMT3A is on the minus strand). VCF-style: chr2-25282422-C-T. GRCh37 (hg19) VCF-style: chr2-25505291-C-T.
Other names: c.467G>A, p.Gly156Glu (NM_001320892.2, NM_175630.1); c.448+19G>A (NM_175629.2); short protein forms G156E.
Identifiers: ClinVar variation 4978832 (VCV004978832.1).